The following is an entry in ClinVar:

ClinVar aggregate classification (germline): Uncertain significance (1 of 4 stars; one submission).

Conditions:
Cardiovascular phenotype. Identifiers: MedGen CN230736.

Submission:

Ambry Genetics
Classification: Uncertain significance for Cardiovascular phenotype. Last evaluated: 2021-05-07. Review status: criteria provided, single submitter. Criteria: Ambry Variant Classification Scheme 2023. Collection method: clinical testing. Allele origin: germline.
Comment: The p.D1139Y variant (also known as c.3415G>T), located in coding exon 25 of the DMD gene, results from a G to T substitution at nucleotide position 3415. The aspartic acid at codon 1139 is replaced by tyrosine, an amino acid with highly dissimilar properties. This amino acid position is not well conserved in available vertebrate species. In addition, this alteration is predicted to be tolerated by in silico analysis. Since supporting evidence is limited at this time, the clinical significance of this alteration remains unclear.

NM_004006.3(DMD):c.3415G>T (p.Asp1139Tyr)

Gene: DMD (dystrophin; minus strand). Cytogenetic location: Xp21.1.
Variant type: single nucleotide variant.
Coding change: c.3415G>T on transcript NM_004006.3 (MANE Select); coding-DNA position 3415, G replaced by T.
Protein change: p.Asp1139Tyr; replaces aspartic acid 1139 with tyrosine.
Molecular consequence: missense variant.
Genome position (GRCh38, 1-based): chrX:32,463,456, C>A on the plus strand (G>T on the coding strand, the complement: DMD is on the minus strand). VCF-style: chrX-32463456-C-A. GRCh37 (hg19) VCF-style: chrX-32481573-C-A.
Other names: c.3391G>T, p.Asp1131Tyr (NM_000109.4); c.3403G>T, p.Asp1135Tyr (NM_004009.3); c.3046G>T, p.Asp1016Tyr (NM_004010.3); short protein forms D1016Y, D1131Y, D1135Y, D1139Y.
Identifiers: ClinVar variation 1731208 (VCV001731208.2), dbSNP rs1464988987, ClinGen allele CA412664325.